The following is an entry in ClinVar:

ClinVar aggregate classification (germline): Uncertain significance (1 of 4 stars; one submission).

Conditions:
X-linked immunodeficiency with magnesium defect, Epstein-Barr virus infection and neoplasia. Identifiers: Orphanet 317476, MedGen C3275445, MONDO:0010455, OMIM 300853.

Allele frequency attached by ClinVar (database versions not stated): TOPMed 0.00001; ExAC 0.00003; ESP Exome Variant Server 0.00009.
gnomAD v4.1: 22 of 1,211,494 alleles (0.0018%); highest among the groups gnomAD compares: Non-Finnish European, 0.002%; no homozygotes.

Submission:

Labcorp Genetics (formerly Invitae), Labcorp
Classification: Uncertain significance for X-linked immunodeficiency with magnesium defect, Epstein-Barr virus infection and neoplasia. Last evaluated: 2025-08-18. Review status: criteria provided, single submitter. Criteria: Invitae Variant Classification Sherloc (09022015). Collection method: clinical testing. Allele origin: germline.
Comment: This sequence change replaces arginine, which is basic and polar, with tryptophan, which is neutral and slightly polar, at codon 200 of the MAGT1 protein (p.Arg200Trp). This variant is present in population databases (rs372142118, gnomAD 0.008%). This variant has not been reported in the literature in individuals affected with MAGT1-related conditions. ClinVar contains an entry for this variant (Variation ID: 1513007). Invitae Evidence Modeling of protein sequence and biophysical properties (such as structural, functional, and spatial information, amino acid conservation, physicochemical variation, residue mobility, and thermodynamic stability) has been performed for this missense variant. However, the output from this modeling did not meet the statistical confidence thresholds required to predict the impact of this variant on MAGT1 protein function. In summary, the available evidence is currently insufficient to determine the role of this variant in disease. Therefore, it has been classified as a Variant of Uncertain Significance.

NM_001367916.1(MAGT1):c.502C>T (p.Arg168Trp)

Gene: MAGT1 (magnesium transporter 1; minus strand). Cytogenetic location: Xq21.1.
Variant type: single nucleotide variant.
Coding change: c.502C>T on transcript NM_001367916.1 (MANE Select); coding-DNA position 502, C replaced by T.
Protein change: p.Arg168Trp; replaces arginine 168 with tryptophan.
Molecular consequence: missense variant.
Genome position (GRCh38, 1-based): chrX:77,857,386, G>A on the plus strand (C>T on the coding strand, the complement: MAGT1 is on the minus strand). VCF-style: chrX-77857386-G-A. GRCh37 (hg19) VCF-style: chrX-77112883-G-A.
Other names: c.598C>T, p.Arg200Trp (NM_032121.5); short protein forms R168W, R200W.
Identifiers: ClinVar variation 1513007 (VCV001513007.6), dbSNP rs372142118, ClinGen allele CA10458524.